The following is an entry in ClinVar:

ClinVar aggregate classification (germline): Likely benign (1 of 4 stars; one submission).

gnomAD v4.1: 25 of 1,613,730 alleles (0.0015%); highest among the groups gnomAD compares: Admixed American, 0.0033%; no homozygotes.

Submission:

CeGaT Center for Human Genetics Tuebingen
Classification: Likely benign. Last evaluated: 2024-07-01. Review status: criteria provided, single submitter. Criteria: CeGaT Center For Human Genetics Tuebingen Variant Classification Criteria Version 2. Collection method: clinical testing. Allele origin: germline. Affected: yes. Observed: 1 variant allele.
Comment: TUBGCP2: BP4, BP7

NM_006659.4(TUBGCP2):c.2454C>T (p.Phe818=)

Gene: TUBGCP2 (tubulin gamma complex component 2; minus strand). Cytogenetic location: 10q26.3.
Variant type: single nucleotide variant.
Coding change: c.2454C>T on transcript NM_006659.4 (MANE Select); coding-DNA position 2454, C replaced by T.
Protein change: p.Phe818=; no amino-acid change (phenylalanine 818 retained).
Molecular consequence: synonymous variant. On other transcripts: non-coding transcript variant (1).
Genome position (GRCh38, 1-based): chr10:133,281,392, G>A on the plus strand (C>T on the coding strand, the complement: TUBGCP2 is on the minus strand). VCF-style: chr10-133281392-G-A. GRCh37 (hg19) VCF-style: chr10-135094896-G-A.
Other names: c.2538C>T, p.Phe846= (NM_001256617.2); c.2064C>T, p.Phe688= (NM_001256618.2).
Identifiers: ClinVar variation 3257607 (VCV003257607.17).